The following is an entry in ClinVar:

ClinVar aggregate classification (germline): Uncertain significance (0 of 4 stars; one submission).

Conditions:
ARID1A-related disorder. Also called: ARID1A-related condition.

gnomAD v4.1: 4 of 1,441,730 alleles (0.00028%); highest among the groups gnomAD compares: South Asian, 0.0015%; no homozygotes.

Submission:

PreventionGenetics, part of Exact Sciences
Classification: Uncertain significance for ARID1A-related condition. Last evaluated: 2024-07-04. Review status: no assertion criteria provided. Collection method: clinical testing. Allele origin: germline.
Comment: The ARID1A c.752C>T variant is predicted to result in the amino acid substitution p.Pro251Leu. To our knowledge, this variant has not been reported in the literature. This variant is reported in 0.0044% of alleles in individuals of European (Non-Finnish) descent in gnomAD. At this time, the clinical significance of this variant is uncertain due to the absence of conclusive functional and genetic evidence.

NM_006015.6(ARID1A):c.752C>T (p.Pro251Leu)

Genes: ARID1A (AT-rich interaction domain 1A; plus strand), LOC129929837 (ATAC-STARR-seq lymphoblastoid silent region 489; plus strand). Cytogenetic location: 1p36.11.
Variant type: single nucleotide variant.
Coding change: c.752C>T on transcript NM_006015.6 (MANE Select); coding-DNA position 752, C replaced by T.
Protein change: p.Pro251Leu; replaces proline 251 with leucine.
Molecular consequence: missense variant.
Genome position (GRCh38, 1-based): chr1:26,697,155, C>T. VCF-style: chr1-26697155-C-T. GRCh37 (hg19) VCF-style: chr1-27023646-C-T.
Other names: c.752C>T, p.Pro251Leu (NM_139135.4); short protein forms P251L.
Identifiers: ClinVar variation 3356420 (VCV003356420.1).